The following is an entry in ClinVar:

NM_005159.5(ACTC1):c.455-10C>T

Genes: ACTC1 (actin alpha cardiac muscle 1; minus strand), GJD2-DT (GJD2 divergent transcript; plus strand). Cytogenetic location: 15q14.
Variant type: single nucleotide variant.
Coding change: c.455-10C>T on transcript NM_005159.5 (MANE Select); 10 bases into the intron before coding-DNA position 455, C replaced by T.
Molecular consequence: intron variant.
Genome position (GRCh38, 1-based): chr15:34,792,579, G>A on the plus strand (C>T on the coding strand, the complement: ACTC1 is on the minus strand). VCF-style: chr15-34792579-G-A. GRCh37 (hg19) VCF-style: chr15-35084780-G-A.
Other names: c.455-10C>T (NM_001406483.1, NM_001406482.1); c.14-10C>T (NM_001406485.1); c.320-10C>T (NM_001406484.1).
Identifiers: ClinVar variation 2935506 (VCV002935506.4), dbSNP rs1043541570, ClinGen allele CA268662535.

ClinVar aggregate classification (germline): Likely benign. Review status: criteria provided, multiple submitters, no conflicts (2 of 4 stars). 2 submissions from 2 submitters: Likely benign (2). Last evaluated 2025-02-13.

Conditions:
Hypertrophic cardiomyopathy 11. Also called: ACTC1-Related Familial Hypertrophic Cardiomyopathy. Identifiers: MedGen C2677506, MONDO:0012799, OMIM 612098.
Dilated cardiomyopathy 1R (CMD1R). Identifiers: Orphanet 154, Orphanet 54260, MedGen C3150681, MONDO:0013261, OMIM 613424.
Atrial septal defect 5 (ASD5). Identifiers: Orphanet 1478, MedGen C2748552, MONDO:0013011, OMIM 612794.
Hypertrophic cardiomyopathy. Also called: HYPERTROPHIC MYOCARDIOPATHY. Identifiers: Orphanet 217569, MedGen C0007194, MeSH D002312, MONDO:0005045, HP:0001639.

Allele frequency attached by ClinVar (database versions not stated): gnomAD exomes below 0.00001.
gnomAD v4.1: 2 of 1,614,150 alleles (0.00012%); highest among the groups gnomAD compares: Non-Finnish European, 0.00017%; no homozygotes.

Submissions (2):

Labcorp Genetics (formerly Invitae), Labcorp
Classification: Likely benign for Dilated cardiomyopathy 1R; Hypertrophic cardiomyopathy 11; Atrial septal defect 5. Last evaluated: 2025-02-13. Review status: criteria provided, single submitter. Criteria: Invitae Variant Classification Sherloc (09022015). Collection method: clinical testing. Allele origin: germline.

All of Us Research Program, National Institutes of Health
Classification: Likely benign for Hypertrophic cardiomyopathy. Last evaluated: 2023-04-10. Review status: criteria provided, single submitter. Criteria: ACMG Guidelines, 2015. Collection method: clinical testing. Allele origin: germline. Inheritance: Autosomal dominant inheritance. Observed: 1 variant allele, 1 heterozygote.
Comment: This study involves interpretation of variants in research participants for the purpose of population health screening. Participant phenotype was not available at the time of variant classification. Additional details can be found in publication PMID: 35346344, PMCID: PMC8962531